The following is an entry in ClinVar:

NM_006514.4(SCN10A):c.800T>C (p.Leu267Pro)

Gene: SCN10A (sodium voltage-gated channel alpha subunit 10; minus strand). Cytogenetic location: 3p22.2.
Variant type: single nucleotide variant.
Coding change: c.800T>C on transcript NM_006514.4 (MANE Select); coding-DNA position 800, T replaced by C.
Protein change: p.Leu267Pro; replaces leucine 267 with proline.
Molecular consequence: missense variant.
Genome position (GRCh38, 1-based): chr3:38,761,275, A>G on the plus strand (T>C on the coding strand, the complement: SCN10A is on the minus strand). VCF-style: chr3-38761275-A-G. GRCh37 (hg19) VCF-style: chr3-38802766-A-G.
Other names: c.800T>C, p.Leu267Pro (NM_001293306.2, NM_001293307.2); short protein forms L267P.
Identifiers: ClinVar variation 4750201 (VCV004750201.1).

ClinVar aggregate classification (germline): Uncertain significance (1 of 4 stars; one submission).

Conditions:
Brugada syndrome. Also called: Sudden unexpected nocturnal death syndrome; Sudden unexplained nocturnal death syndrome; Sudden Unexplained Death Syndrome; Sudden Unexplained Nocturnal Death Syndrome (SUNDS). Identifiers: Orphanet 130, MedGen C1142166, MONDO:0015263.

gnomAD v4.1: 4 of 1,613,910 alleles (0.00025%); highest among the groups gnomAD compares: Non-Finnish European, 0.00034%; no homozygotes.

Submission:

Labcorp Genetics (formerly Invitae), Labcorp
Classification: Uncertain significance for Brugada syndrome. Last evaluated: 2025-07-22. Review status: criteria provided, single submitter. Criteria: Invitae Variant Classification Sherloc (09022015). Collection method: clinical testing. Allele origin: germline.
Comment: This sequence change replaces leucine, which is neutral and non-polar, with proline, which is neutral and non-polar, at codon 267 of the SCN10A protein (p.Leu267Pro). This variant is not present in population databases (gnomAD no frequency). This variant has not been reported in the literature in individuals affected with SCN10A-related conditions. Invitae Evidence Modeling of protein sequence and biophysical properties (such as structural, functional, and spatial information, amino acid conservation, physicochemical variation, residue mobility, and thermodynamic stability) has been performed for this missense variant. However, the output from this modeling did not meet the statistical confidence thresholds required to predict the impact of this variant on SCN10A protein function. In summary, the available evidence is currently insufficient to determine the role of this variant in disease. Therefore, it has been classified as a Variant of Uncertain Significance.